The following is an entry in ClinVar:

NM_170606.3(KMT2C):c.14150C>T (p.Ala4717Val)

Gene: KMT2C (lysine methyltransferase 2C; minus strand). Cytogenetic location: 7q36.1.
Variant type: single nucleotide variant.
Coding change: c.14150C>T on transcript NM_170606.3 (MANE Select); coding-DNA position 14150, C replaced by T.
Protein change: p.Ala4717Val; replaces alanine 4717 with valine.
Molecular consequence: missense variant.
Genome position (GRCh38, 1-based): chr7:152,145,177, G>A on the plus strand (C>T on the coding strand, the complement: KMT2C is on the minus strand). VCF-style: chr7-152145177-G-A. GRCh37 (hg19) VCF-style: chr7-151842262-G-A.
Other names: short protein forms A4717V.
Identifiers: ClinVar variation 4688531 (VCV004688531.1).

ClinVar aggregate classification (germline): Uncertain significance (1 of 4 stars; one submission).

Submission:

Women's Health and Genetics/Laboratory Corporation of America, LabCorp
Classification: Uncertain significance. Last evaluated: 2025-12-05. Review status: criteria provided, single submitter. Criteria: LabCorp Variant Classification Summary - May 2015. Collection method: clinical testing. Allele origin: germline.
Comment: Variant summary: KMT2C c.14150C>T (p.Ala4717Val) results in a non-conservative amino acid change in the encoded protein sequence. Algorithms developed to predict the effect of missense changes on protein structure and function are either unavailable or do not agree on the potential impact of this missense change. The frequency data for this variant in gnomAD is considered unreliable, as metrics indicate poor data quality at this position. To our knowledge, no occurrence of c.14150C>T in individuals affected with KMT2C-related conditions and no experimental evidence demonstrating its impact on protein function have been reported. No submitters have cited clinical-significance assessments for this variant to ClinVar. Based on the evidence outlined above, the variant was classified as uncertain significance.